The following is an entry in ClinVar:

NM_013339.4(ALG6):c.156G>A (p.Pro52=)

Gene: ALG6 (ALG6 alpha-1,3-glucosyltransferase; plus strand). Cytogenetic location: 1p31.3.
Variant type: single nucleotide variant.
Coding change: c.156G>A on transcript NM_013339.4 (MANE Select); coding-DNA position 156, G replaced by A.
Protein change: p.Pro52=; no amino-acid change (proline 52 retained).
Molecular consequence: synonymous variant.
Genome position (GRCh38, 1-based): chr1:63,396,586, G>A. VCF-style: chr1-63396586-G-A. GRCh37 (hg19) VCF-style: chr1-63862257-G-A.
Other names: c.156G>A, p.Pro52= (LRG_1260t1).
Identifiers: ClinVar variation 297845 (VCV000297845.8), dbSNP rs751004049, ClinGen allele CA888073.

ClinVar aggregate classification (germline): Uncertain significance. Review status: criteria provided, single submitter (1 of 4 stars). 3 submissions from 3 submitters: Uncertain significance (1). 2 of the submissions do not count toward it. Last evaluated 2018-01-12.

Conditions:
ALG6-related disorder. Also called: ALG6-related condition.
ALG6-congenital disorder of glycosylation 1C (CDG1C). Also called: CDG Ic; CARBOHYDRATE-DEFICIENT GLYCOPROTEIN SYNDROME, TYPE I, WITH DEFICIENT GLYCOSYLATION OF DOLICHOL-LINKED OLIGOSACCHARIDE; CARBOHYDRATE-DEFICIENT GLYCOPROTEIN SYNDROME, TYPE V; Congenital disorder of glycosylation type 1C; Congenital disorder of glycosylation, type Ic. Identifiers: Orphanet 79320, MedGen C2930997, MONDO:0011291, OMIM 603147.

Allele frequency attached by ClinVar (database versions not stated): gnomAD exomes 0.00003 and 0.00004; ExAC 0.00004; gnomAD 0.00004; TOPMed 0.00005.
gnomAD v4.1: 54 of 1,612,674 alleles (0.0033%); highest among the groups gnomAD compares: South Asian, 0.0088%; no homozygotes.

Submissions (3):

Illumina Laboratory Services, Illumina
Classification: Uncertain significance for ALG6-congenital disorder of glycosylation 1C. Last evaluated: 2018-01-12. Review status: criteria provided, single submitter. Criteria: ICSL Variant Classification Criteria 13 December 2019. Collection method: clinical testing. Allele origin: germline.

PreventionGenetics, part of Exact Sciences
Classification: Likely benign for ALG6-related condition. Last evaluated: 2024-05-15. Review status: no assertion criteria provided. Collection method: clinical testing. Allele origin: germline. Not counted in ClinVar's aggregate classification.
Comment: This variant is classified as likely benign based on ACMG/AMP sequence variant interpretation guidelines (Richards et al. 2015 PMID: 25741868, with internal and published modifications).

Counsyl
Classification: Likely benign for ALG6-congenital disorder of glycosylation 1C. Last evaluated: 2017-05-09. Review status: no assertion criteria provided. Collection method: clinical testing. Allele origin: unknown. Not counted in ClinVar's aggregate classification.